The following is an entry in ClinVar:

ClinVar aggregate classification (germline): Uncertain significance. Review status: criteria provided, multiple submitters, no conflicts (2 of 4 stars). 2 submissions from 2 submitters: Uncertain significance (2). Last evaluated 2024-05-06.

Conditions:
Dilated cardiomyopathy 1O (CMD1O). Also called: CARDIOMYOPATHY, DILATED, WITH VENTRICULAR TACHYCARDIA. Identifiers: Orphanet 154, MedGen C1837839, MONDO:0012062, OMIM 608569.

Allele frequency attached by ClinVar (database versions not stated): gnomAD exomes below 0.00001 and 0.00001; TOPMed below 0.00001.
gnomAD v4.1: 2 of 1,613,282 alleles (0.00012%); highest among the groups gnomAD compares: African/African-American, 0.0027%; no homozygotes.

Submissions (2):

Labcorp Genetics (formerly Invitae), Labcorp
Classification: Uncertain significance for Dilated cardiomyopathy 1O. Last evaluated: 2024-05-06. Review status: criteria provided, single submitter. Criteria: Invitae Variant Classification Sherloc (09022015). Collection method: clinical testing. Allele origin: germline.
Comment: This sequence change replaces phenylalanine, which is neutral and non-polar, with leucine, which is neutral and non-polar, at codon 36 of the ABCC9 protein (p.Phe36Leu). This variant is present in population databases (no rsID available, gnomAD 0.01%). This variant has not been reported in the literature in individuals affected with ABCC9-related conditions. ClinVar contains an entry for this variant (Variation ID: 1677734). Advanced modeling of protein sequence and biophysical properties (such as structural, functional, and spatial information, amino acid conservation, physicochemical variation, residue mobility, and thermodynamic stability) performed at Invitae indicates that this missense variant is expected to disrupt ABCC9 protein function with a positive predictive value of 95%. In summary, the available evidence is currently insufficient to determine the role of this variant in disease. Therefore, it has been classified as a Variant of Uncertain Significance.

AiLife Diagnostics
Classification: Uncertain significance. Last evaluated: 2021-12-26. Review status: criteria provided, single submitter. Criteria: ACMG Guidelines, 2015. Collection method: clinical testing. Allele origin: germline. Affected: yes. Observed: 1 variant allele.

NM_020297.4(ABCC9):c.106T>C (p.Phe36Leu)

Gene: ABCC9 (ATP binding cassette subfamily C member 9; minus strand). Cytogenetic location: 12p12.1.
Variant type: single nucleotide variant.
Coding change: c.106T>C on transcript NM_020297.4 (MANE Select); coding-DNA position 106, T replaced by C.
Protein change: p.Phe36Leu; replaces phenylalanine 36 with leucine.
Molecular consequence: missense variant. On other transcripts: 5 prime UTR variant (1).
Genome position (GRCh38, 1-based): chr12:21,936,569, A>G on the plus strand (T>C on the coding strand, the complement: ABCC9 is on the minus strand). VCF-style: chr12-21936569-A-G. GRCh37 (hg19) VCF-style: chr12-22089503-A-G.
Other names: c.106T>C, p.Phe36Leu (NM_001377273.1, NM_005691.4); c.-349T>C (NM_001377274.1); short protein forms F36L.
Identifiers: ClinVar variation 1677734 (VCV001677734.3), dbSNP rs1460302850, ClinGen allele CA384133513.